The following is an entry in ClinVar:

NM_198506.5(LRIT3):c.158C>T (p.Thr53Met)

Gene: LRIT3 (leucine rich repeat, Ig-like and transmembrane domains 3; plus strand). Cytogenetic location: 4q25.
Variant type: single nucleotide variant.
Coding change: c.158C>T on transcript NM_198506.5 (MANE Select); coding-DNA position 158, C replaced by T.
Protein change: p.Thr53Met; replaces threonine 53 with methionine.
Molecular consequence: missense variant.
Genome position (GRCh38, 1-based): chr4:109,851,545, C>T. VCF-style: chr4-109851545-C-T. GRCh37 (hg19) VCF-style: chr4-110772701-C-T.
Other names: short protein forms T53M.
Identifiers: ClinVar variation 900733 (VCV000900733.15), dbSNP rs181200721, ClinGen allele CA3042970.
Genomic context (GRCh38, chr4:109,851,545, plus strand): 5'-GTTCATGTTGTGACACTAGGTTGGTGCTATGTAATGACATGGATATGAACGAGCTGCCTA[C>T]GAACCTCCCCGTGGACACTGTGAAGCTTCGCATAGAGAAGACTGTCATCCGCAGAATCTC-3'
Protein context (NP_940908.3, residues 43-63): CNDMDMNELP[Thr53Met]NLPVDTVKLR

ClinVar aggregate classification (germline): Benign/Likely benign. Review status: criteria provided, multiple submitters, no conflicts (2 of 4 stars). 6 submissions from 6 submitters: Benign (3); Likely benign (1). 2 of the submissions do not count toward it. Last evaluated 2026-01-05.

Conditions:
Congenital stationary night blindness 1F. Also called: Night blindness, congenital stationary (complete), 1F, autosomal recessive. Identifiers: Orphanet 215, MedGen C3554399, MONDO:0014026, OMIM 615058.

Allele frequency attached by ClinVar (database versions not stated): gnomAD exomes 0.00023 and 0.00057; ExAC 0.00072; ESP Exome Variant Server 0.00153; gnomAD 0.00217 and 0.00233; TOPMed 0.00271; 1000 Genomes Project 0.00280; 1000 Genomes Project 30x 0.00297.
gnomAD v4.1: 687 of 1,550,346 alleles (0.044%); highest among the groups gnomAD compares: African/African-American, 0.68%; 2 homozygotes.

Submissions (6):

Labcorp Genetics (formerly Invitae), Labcorp
Classification: Benign. Last evaluated: 2026-01-05. Review status: criteria provided, single submitter. Criteria: Invitae Variant Classification Sherloc (09022015). Collection method: clinical testing. Allele origin: germline.

Blueprint Genetics
Classification: Likely benign. Last evaluated: 2024-11-25. Review status: criteria provided, single submitter. Criteria: ACMG Guidelines, 2015. Collection method: clinical testing. Allele origin: germline.

Illumina Laboratory Services, Illumina
Classification: Benign for Congenital stationary night blindness 1F. Last evaluated: 2017-04-28. Review status: criteria provided, single submitter. Criteria: ICSL Variant Classification Criteria 13 December 2019. Collection method: clinical testing. Allele origin: germline.
Comment: This variant was observed as part of a predisposition screen in an ostensibly healthy population. A literature search was performed for the gene, cDNA change, and amino acid change (where applicable). Publications were found based on this search. The evidence from the literature, in combination with allele frequency data from public databases where available, was sufficient to rule this variant out of causing disease. Therefore, this variant is classified as benign.

Breakthrough Genomics
Classification: Benign. Review status: criteria provided, single submitter. Criteria: ACMG Guidelines, 2015. Collection method: not provided. Allele origin: germline. Inheritance: Autosomal recessive inheritance. Affected: yes.

Clinical Genetics DNA and cytogenetics Diagnostics Lab, Erasmus MC, Erasmus Medical Center
Classification: Likely benign. Review status: no assertion criteria provided. Collection method: clinical testing. Allele origin: germline. Affected: yes. Study: VKGL Data-share Consensus. Not counted in ClinVar's aggregate classification.

Clinical Genetics, Academic Medical Center
Classification: Benign. Review status: no assertion criteria provided. Collection method: clinical testing. Allele origin: germline. Affected: yes. Study: VKGL Data-share Consensus. Not counted in ClinVar's aggregate classification.

Literature cited by the submitters: PubMed 22673519 (cited by Illumina Laboratory Services, Illumina).